The following is an entry in ClinVar:

NM_018975.4(TERF2IP):c.856A>G (p.Thr286Ala)

Gene: TERF2IP (TERF2 interacting protein; plus strand). Cytogenetic location: 16q23.1.
Variant type: single nucleotide variant.
Coding change: c.856A>G on transcript NM_018975.4 (MANE Select); coding-DNA position 856, A replaced by G.
Protein change: p.Thr286Ala; replaces threonine 286 with alanine.
Molecular consequence: missense variant. On other transcripts: non-coding transcript variant (1).
Genome position (GRCh38, 1-based): chr16:75,656,267, A>G. VCF-style: chr16-75656267-A-G. GRCh37 (hg19) VCF-style: chr16-75690165-A-G.
Other names: short protein forms T286A.
Identifiers: ClinVar variation 1763879 (VCV001763879.2), dbSNP rs2507089254, ClinGen allele CA396819730.

ClinVar aggregate classification (germline): Uncertain significance (1 of 4 stars; one submission).

Allele frequency attached by ClinVar (database versions not stated): gnomAD exomes below 0.00001.
gnomAD v4.1: 1 of 1,614,206 alleles (0.000062%); highest among the groups gnomAD compares: Non-Finnish European, 0.000085%; no homozygotes.

Submission:

Ambry Genetics
Classification: Uncertain significance. Last evaluated: 2022-08-23. Review status: criteria provided, single submitter. Criteria: Ambry Variant Classification Scheme 2023. Collection method: clinical testing. Allele origin: germline.
Comment: The p.T286A variant (also known as c.856A>G), located in coding exon 3 of the TERF2IP gene, results from an A to G substitution at nucleotide position 856. The threonine at codon 286 is replaced by alanine, an amino acid with similar properties. This amino acid position is conserved. In addition, this alteration is predicted to be tolerated by in silico analysis. Since supporting evidence is limited at this time, the clinical significance of this alteration remains unclear.